The following is an entry in ClinVar:

ClinVar aggregate classification (germline): Pathogenic (1 of 4 stars; one submission).

Conditions:
Joubert syndrome 23 (JBTS23). Identifiers: Orphanet 475, MedGen C4084822, MONDO:0014664, OMIM 616490.
Short-rib thoracic dysplasia 14 with polydactyly (SRTD14). Identifiers: Orphanet 397715, MedGen C4225286, MONDO:0014688, OMIM 616546.

Submission:

Labcorp Genetics (formerly Invitae), Labcorp
Classification: Pathogenic for Joubert syndrome 23; Short-rib thoracic dysplasia 14 with polydactyly. Last evaluated: 2022-11-01. Review status: criteria provided, single submitter. Criteria: Invitae Variant Classification Sherloc (09022015). Collection method: clinical testing. Allele origin: germline.
Comment: This variant is present in population databases (rs750592118, gnomAD 0.004%). This sequence change creates a premature translational stop signal (p.Glu501Glnfs*11) in the KIAA0586 gene. It is expected to result in an absent or disrupted protein product. Loss-of-function variants in KIAA0586 are known to be pathogenic (PMID: 26096313, 26166481, 26386044). This variant has not been reported in the literature in individuals affected with KIAA0586-related conditions. For these reasons, this variant has been classified as Pathogenic.

Literature cited by the submitters: PubMed 26096313; PubMed 26166481; PubMed 26386044.

NM_001329943.3(KIAA0586):c.1342_1345del (p.Glu448fs)

Gene: KIAA0586 (KIAA0586; plus strand). Cytogenetic location: 14q23.1.
Variant type: Microsatellite.
Coding change: c.1342_1345del on transcript NM_001329943.3 (MANE Select); coding-DNA positions 1342 to 1345, 4 bases deleted (GAAA; older notation c.1342_1345delGAAA).
Protein change: p.Glu448fs; shifts the reading frame from glutamic acid 448.
Molecular consequence: frameshift variant.
Genome position (GRCh38, 1-based): chr14:58,456,790-58,456,793, GAAA deleted; deleting any 4 consecutive bases within chr14:58,456,785-58,456,793 gives the same sequence; the c. name uses the placement nearest the transcript's 3' end. VCF-style (leftmost placement, unchanged base first): chr14-58456784-GAGAA-G. GRCh37 (hg19) VCF-style: chr14-58923502-GAGAA-G.
Other names: c.1297_1300del, p.Glu433fs (NM_001244190.2); c.1087_1090del, p.Glu363fs (NM_001244191.2, NM_001329945.2, NM_001364700.1 and 1 more transcripts); c.1210_1213del, p.Glu404fs (NM_001244192.2); c.922_925del, p.Glu308fs (NM_001244193.2); c.1342_1345del, p.Glu448fs (NM_001329944.2, NM_001329946.2, NM_001329947.2 and 1 more transcripts); c.1501_1504del, p.Glu501fs (NM_001244189.2); short protein forms E404fs, E448fs, E308fs, E363fs, E433fs, E501fs.
Identifiers: ClinVar variation 2941198 (VCV002941198.3), dbSNP rs750592118, ClinGen allele CA7205624.